The following is an entry in ClinVar:

NM_003114.5(SPAG1):c.1205G>T (p.Gly402Val)

Genes: SPAG1 (sperm associated antigen 1; plus strand), LOC130000832 (ATAC-STARR-seq lymphoblastoid silent region 19412; plus strand). Cytogenetic location: 8q22.2.
Variant type: single nucleotide variant.
Coding change: c.1205G>T on transcript NM_003114.5 (MANE Select); coding-DNA position 1205, G replaced by T.
Protein change: p.Gly402Val; replaces glycine 402 with valine.
Molecular consequence: missense variant.
Genome position (GRCh38, 1-based): chr8:100,213,198, G>T. VCF-style: chr8-100213198-G-T. GRCh37 (hg19) VCF-style: chr8-101225426-G-T.
Other names: c.1205G>T (NM_172218.2); c.1205G>T, p.Gly402Val (NM_001374321.1, NM_172218.3); short protein forms G402V.
Identifiers: ClinVar variation 3712020 (VCV003712020.3).

ClinVar aggregate classification (germline): Uncertain significance. Review status: criteria provided, multiple submitters, no conflicts (2 of 4 stars). 2 submissions from 2 submitters: Uncertain significance (2). Last evaluated 2025-04-24.

Conditions:
Primary ciliary dyskinesia 28. Also called: CILIARY DYSKINESIA, PRIMARY, 28, WITH OR WITHOUT SITUS INVERSUS. Identifiers: Orphanet 244, MedGen C3809706, MONDO:0014216, OMIM 615505.
Primary ciliary dyskinesia. Also called: Ciliary dyskinesia. Identifiers: Orphanet 244, MedGen C0008780, MONDO:0016575, HP:0012265.

gnomAD v4.1: 66 of 1,460,212 alleles (0.0045%); highest among the groups gnomAD compares: Non-Finnish European, 0.0058%; no homozygotes.

Submissions (2):

Ambry Genetics
Classification: Uncertain significance for Primary ciliary dyskinesia. Last evaluated: 2025-04-24. Review status: criteria provided, single submitter. Criteria: Ambry Variant Classification Scheme 2023. Collection method: clinical testing. Allele origin: germline.

Labcorp Genetics (formerly Invitae), Labcorp
Classification: Uncertain significance for Primary ciliary dyskinesia 28. Last evaluated: 2024-11-16. Review status: criteria provided, single submitter. Criteria: Invitae Variant Classification Sherloc (09022015). Collection method: clinical testing. Allele origin: germline.
Comment: This sequence change replaces glycine, which is neutral and non-polar, with valine, which is neutral and non-polar, at codon 402 of the SPAG1 protein (p.Gly402Val). This variant is not present in population databases (gnomAD no frequency). This variant has not been reported in the literature in individuals affected with SPAG1-related conditions. Invitae Evidence Modeling of protein sequence and biophysical properties (such as structural, functional, and spatial information, amino acid conservation, physicochemical variation, residue mobility, and thermodynamic stability) indicates that this missense variant is not expected to disrupt SPAG1 protein function with a negative predictive value of 80%. In summary, the available evidence is currently insufficient to determine the role of this variant in disease. Therefore, it has been classified as a Variant of Uncertain Significance.